The following is an entry in ClinVar:

NM_000038.6(APC):c.5027G>C (p.Arg1676Thr)

Gene: APC (APC regulator of Wnt signaling pathway; plus strand). Cytogenetic location: 5q22.2.
Variant type: single nucleotide variant.
Coding change: c.5027G>C on transcript NM_000038.6 (MANE Select); coding-DNA position 5027, G replaced by C.
Protein change: p.Arg1676Thr; replaces arginine 1676 with threonine.
Molecular consequence: missense variant.
Genome position (GRCh38, 1-based): chr5:112,840,621, G>C. VCF-style: chr5-112840621-G-C. GRCh37 (hg19) VCF-style: chr5-112176318-G-C.
Other names: c.5027G>C, p.Arg1676Thr (NM_001127510.3, NM_001354895.2); c.4973G>C, p.Arg1658Thr (NM_001127511.3); c.5081G>C, p.Arg1694Thr (NM_001354896.2); c.5057G>C, p.Arg1686Thr (NM_001354897.2); c.4952G>C, p.Arg1651Thr (NM_001354898.2); c.4943G>C, p.Arg1648Thr (NM_001354899.2); c.4904G>C, p.Arg1635Thr (NM_001354900.2); c.4850G>C, p.Arg1617Thr (NM_001354901.2); and 5 more; short protein forms R1658T, R1676T, R1516T, R1585T, R1694T, R1393T, R1617T, R1635T.
Identifiers: ClinVar variation 141548 (VCV000141548.26), dbSNP rs143674116, ClinGen allele CA009845.

ClinVar aggregate classification (germline): Benign/Likely benign. Review status: criteria provided, multiple submitters, no conflicts (2 of 4 stars). 9 submissions from 9 submitters: Benign (2); Likely benign (6). 1 of the submissions does not count toward it. Last evaluated 2026-01-27.

Conditions:
APC-related disorder. Also called: APC-related condition.
Classic or attenuated familial adenomatous polyposis. Identifiers: MedGen CN372698, MONDO:0021057.
Hereditary cancer-predisposing syndrome. Also called: Neoplastic Syndromes, Hereditary; Tumor predisposition; Hereditary Cancer Syndrome; Hereditary neoplastic syndrome. Identifiers: Orphanet 140162, MedGen C0027672, MeSH D009386, MONDO:0015356.
Familial adenomatous polyposis 1 (FAP1). Also called: FAMILIAL ADENOMATOUS POLYPOSIS 1, ATTENUATED; POLYPOSIS, ADENOMATOUS INTESTINAL. Identifiers: MedGen C2713442, MONDO:0021056, OMIM 175100. Disease mechanism: loss of function.

Allele frequency attached by ClinVar (database versions not stated): gnomAD exomes 0.00007; ExAC 0.00010; gnomAD 0.00030 and 0.00033; TOPMed 0.00042; ESP Exome Variant Server 0.00092.
gnomAD v4.1: 89 of 1,613,930 alleles (0.0055%); highest among the groups gnomAD compares: African/African-American, 0.12%; no homozygotes.

Submissions (9):

Labcorp Genetics (formerly Invitae), Labcorp
Classification: Likely benign for Familial adenomatous polyposis 1. Last evaluated: 2026-01-27. Review status: criteria provided, single submitter. Criteria: Invitae Variant Classification Sherloc (09022015). Collection method: clinical testing. Allele origin: germline.

Quest Diagnostics Nichols Institute San Juan Capistrano
Classification: Benign. Last evaluated: 2025-01-31. Review status: criteria provided, single submitter. Criteria: Quest Diagnostics criteria. Collection method: clinical testing. Allele origin: unknown.

Myriad Genetics, Inc.
Classification: Likely benign for Familial adenomatous polyposis 1. Last evaluated: 2024-03-28. Review status: criteria provided, single submitter. Criteria: Myriad Autosomal Dominant, Autosomal Recessive and X-Linked Classification Criteria (2023). Collection method: clinical testing. Allele origin: unknown.
Comment: This variant is considered likely benign. This variant has been observed at a population frequency that is significantly greater than expected given the associated disease prevalence and penetrance.

All of Us Research Program, National Institutes of Health
Classification: Likely benign for Classic or attenuated familial adenomatous polyposis. Last evaluated: 2023-12-18. Review status: criteria provided, single submitter. Criteria: ACMG Guidelines, 2015. Collection method: clinical testing. Allele origin: germline. Inheritance: Autosomal dominant inheritance. Observed: 17 variant alleles, 17 heterozygotes.
Comment: This study involves interpretation of variants in research participants for the purpose of population health screening. Participant phenotype was not available at the time of variant classification. Additional details can be found in publication PMID: 35346344, PMCID: PMC8962531

Women's Health and Genetics/Laboratory Corporation of America, LabCorp
Classification: Benign. Last evaluated: 2022-02-10. Review status: criteria provided, single submitter. Criteria: LabCorp Variant Classification Summary - May 2015. Collection method: clinical testing. Allele origin: germline.
Comment: Variant summary: APC c.5027G>C (p.Arg1676Thr) results in a non-conservative amino acid change in the encoded protein sequence. Four of five in-silico tools predict a benign effect of the variant on protein function. The variant allele was found at a frequency of 7.2e-05 in 250184 control chromosomes, predominantly at a frequency of 0.0011 within the African or African-American subpopulation in the gnomAD database. The observed variant frequency within African or African-American control individuals in the gnomAD database is approximately 15.4 fold of the estimated maximal expected allele frequency for a pathogenic variant in APC causing Familial Adenomatous Polyposis phenotype (7.1e-05), strongly suggesting that the variant is a benign polymorphism found primarily in populations of African or African-American origin. To our knowledge, no occurrence of c.5027G>C in individuals affected with Familial Adenomatous Polyposis and no experimental evidence demonstrating its impact on protein function have been reported. Five ClinVar submitters have assessed the variant since 2014: four classified the variant as likely benign and one as benign. Based on the evidence outlined above, the variant was classified as benign.

GeneDx
Classification: Likely benign. Last evaluated: 2021-05-13. Review status: criteria provided, single submitter. Criteria: GeneDx Variant Classification Process June 2021. Collection method: clinical testing. Allele origin: germline. Affected: yes.

Ambry Genetics
Classification: Likely benign for Hereditary cancer-predisposing syndrome. Last evaluated: 2019-01-28. Review status: criteria provided, single submitter. Criteria: Ambry Variant Classification Scheme 2023. Collection method: clinical testing. Allele origin: germline.

Color Diagnostics, LLC DBA Color Health
Classification: Likely benign for Hereditary cancer-predisposing syndrome. Last evaluated: 2016-03-18. Review status: criteria provided, single submitter. Criteria: ACMG Guidelines, 2015. Collection method: clinical testing. Allele origin: germline.

PreventionGenetics, part of Exact Sciences
Classification: Likely benign for APC-related condition. Last evaluated: 2023-10-18. Review status: no assertion criteria provided. Collection method: clinical testing. Allele origin: germline. Not counted in ClinVar's aggregate classification.
Comment: This variant is classified as likely benign based on ACMG/AMP sequence variant interpretation guidelines (Richards et al. 2015 PMID: 25741868, with internal and published modifications).